The following is an entry in ClinVar:

ClinVar aggregate classification (germline): Likely benign (1 of 4 stars; one submission).

Submission:

GeneDx
Classification: Likely benign. Last evaluated: 2016-05-11. Review status: criteria provided, single submitter. Criteria: GeneDx Variant Classification (06012015). Collection method: clinical testing. Allele origin: germline. Affected: yes.
Comment: This variant is considered likely benign or benign based on one or more of the following criteria: it is a conservative change, it occurs at a poorly conserved position in the protein, it is predicted to be benign by multiple in silico algorithms, and/or has population frequency not consistent with disease.

NM_025114.4(CEP290):c.7219A>C (p.Lys2407Gln)

Genes: CEP290 (centrosomal protein 290; minus strand), RLIG1 (RNA 5'-phosphate and 3'-OH ligase 1; plus strand). Cytogenetic location: 12q21.32.
Variant type: single nucleotide variant.
Coding change: c.7219A>C on transcript NM_025114.4 (MANE Select); coding-DNA position 7219, A replaced by C.
Protein change: p.Lys2407Gln; replaces lysine 2407 with glutamine.
Molecular consequence: missense variant. On other transcripts: 3 prime UTR variant (1).
Genome position (GRCh38, 1-based): chr12:88,049,405, T>G on the plus strand (A>C on the coding strand, the complement: CEP290 is on the minus strand). VCF-style: chr12-88049405-T-G. GRCh37 (hg19) VCF-style: chr12-88443182-T-G.
Other names: c.*983T>G (NM_001009894.3); short protein forms K2407Q.
Identifiers: ClinVar variation 386272 (VCV000386272.1), dbSNP rs1057522466, ClinGen allele CA16607420.
Genomic context (GRCh38, chr12:88,049,405, plus strand): 5'-GATCTTCAATTTCTTCAAAAAATGAAGGATCAAAATTTTCCAGTTCTTTTTTCAGCTTCT[T>G]TATTTCCTCCTAATGGAAACATTATCTTTAAAAGTTGCATATAGGAAATATACATATTTT-3'
Protein context (NP_079390.3, residues 2397-2417): LEKQHLKEEI[Lys2407Gln]KLKKELENFD